The following is an entry in ClinVar:

ClinVar aggregate classification (germline): Likely benign (1 of 4 stars; one submission).

Submission:

CeGaT Center for Human Genetics Tuebingen
Classification: Likely benign. Last evaluated: 2026-08-01. Review status: criteria provided, single submitter. Criteria: CeGaT Center For Human Genetics Tuebingen Variant Classification Criteria Version 2. Collection method: clinical testing. Allele origin: germline. Affected: yes. Observed: 1 variant allele.
Comment: SPTAN1: PM2:Supporting, BP4, BP7

NM_001130438.3(SPTAN1):c.7122T>C (p.Pro2374=)

Gene: SPTAN1 (spectrin alpha, non-erythrocytic 1; plus strand). Cytogenetic location: 9q34.11.
Variant type: single nucleotide variant.
Coding change: c.7122T>C on transcript NM_001130438.3 (MANE Select); coding-DNA position 7122, T replaced by C.
Protein change: p.Pro2374=; no amino-acid change (proline 2374 retained).
Molecular consequence: synonymous variant.
Genome position (GRCh38, 1-based): chr9:128,632,680, T>C. VCF-style: chr9-128632680-T-C. GRCh37 (hg19) VCF-style: chr9-131394959-T-C.
Other names: c.7047T>C, p.Pro2349= (NM_001195532.2); c.7185T>C, p.Pro2395= (NM_001363759.2); c.7062T>C, p.Pro2354= (NM_001363765.2, NM_001375314.2); c.7209T>C, p.Pro2403= (NM_001375310.1); c.7122T>C, p.Pro2374= (NM_001375311.2); c.7158T>C, p.Pro2386= (NM_001375312.2, NM_001438440.1); c.7104T>C, p.Pro2368= (NM_001375313.1); c.7221T>C, p.Pro2407= (NM_001375318.1); and 6 more.
Identifiers: ClinVar variation 5039809 (VCV005039809.1).